The following is an entry in ClinVar:

NM_005159.5(ACTC1):c.130-9T>C

Genes: ACTC1 (actin alpha cardiac muscle 1; minus strand), GJD2-DT (GJD2 divergent transcript; plus strand). Cytogenetic location: 15q14.
Variant type: single nucleotide variant.
Coding change: c.130-9T>C on transcript NM_005159.5 (MANE Select); 9 bases into the intron before coding-DNA position 130, T replaced by C.
Molecular consequence: intron variant.
Genome position (GRCh38, 1-based): chr15:34,793,578, A>G on the plus strand (T>C on the coding strand, the complement: ACTC1 is on the minus strand). VCF-style: chr15-34793578-A-G. GRCh37 (hg19) VCF-style: chr15-35085779-A-G.
Other names: p.?; c.130-9T>C (LRG_388t1).
Identifiers: ClinVar variation 416057 (VCV000416057.19), dbSNP rs147406641, ClinGen allele CA041090.
Genomic context (GRCh38, chr15:34,793,578, plus strand): 5'-GGGCTTCATCACCTACGTAGGAGTCCTTCTGACCCATACCCACCATAACTCCCTATGAGA[A>G]GAAAAAATGAGAAAATCATGCTCTCACCATGTCAGGAATATAATCAGTGTCTTGTCCATT-3'

ClinVar aggregate classification (germline): Conflicting classifications of pathogenicity. Review status: criteria provided, conflicting classifications (1 of 4 stars). 7 submissions from 7 submitters: Uncertain significance (1); Benign (1); Likely benign (5). Last evaluated 2025-10-19.

Conditions:
ACTC1-related disorder. Also called: ACTC1-related condition.
Hypertrophic cardiomyopathy 11. Also called: ACTC1-Related Familial Hypertrophic Cardiomyopathy. Identifiers: MedGen C2677506, MONDO:0012799, OMIM 612098.
Atrial septal defect 5 (ASD5). Identifiers: Orphanet 1478, MedGen C2748552, MONDO:0013011, OMIM 612794.
Dilated cardiomyopathy 1R (CMD1R). Identifiers: Orphanet 154, Orphanet 54260, MedGen C3150681, MONDO:0013261, OMIM 613424.
Cardiomyopathy (CMYO). Also called: Cardiomyopathies. Identifiers: Orphanet 167848, MedGen C0878544, MONDO:0004994, HP:0001638. Inheritance: Various modes of inheritance.

Allele frequency attached by ClinVar (database versions not stated): gnomAD exomes 0.00001 and 0.00002; ExAC 0.00003; ESP Exome Variant Server 0.00008; TOPMed 0.00009; gnomAD 0.00011 and 0.00014.
gnomAD v4.1: 41 of 1,611,754 alleles (0.0025%); highest among the groups gnomAD compares: African/African-American, 0.047%; no homozygotes.

Submissions (7):

Labcorp Genetics (formerly Invitae), Labcorp
Classification: Likely benign for Dilated cardiomyopathy 1R; Hypertrophic cardiomyopathy 11; Atrial septal defect 5. Last evaluated: 2025-10-19. Review status: criteria provided, single submitter. Criteria: Invitae Variant Classification Sherloc (09022015). Collection method: clinical testing. Allele origin: germline.

PreventionGenetics, part of Exact Sciences
Classification: Likely benign for ACTC1-related condition. Last evaluated: 2025-04-17. Review status: criteria provided, single submitter. Criteria: ACMG Guidelines, 2015. Collection method: clinical testing. Allele origin: germline.
Comment: This variant is classified as likely benign based on ACMG/AMP sequence variant interpretation guidelines (Richards et al. 2015 PMID: 25741868, with internal and published modifications).

Mayo Clinic Laboratories, Mayo Clinic
Classification: Likely benign. Last evaluated: 2025-04-07. Review status: criteria provided, single submitter. Criteria: ACMG Guidelines, 2015. Collection method: clinical testing. Allele origin: germline. Observed: 1 variant allele.
Comment: BP4, BP7

Color Diagnostics, LLC DBA Color Health
Classification: Likely benign for Cardiomyopathy. Last evaluated: 2022-05-20. Review status: criteria provided, single submitter. Criteria: ACMG Guidelines, 2015. Collection method: clinical testing. Allele origin: germline.

CHEO Genetics Diagnostic Laboratory, Children's Hospital of Eastern Ontario
Classification: Uncertain significance for Cardiomyopathy. Last evaluated: 2022-04-20. Review status: criteria provided, single submitter. Criteria: ACMG Guidelines, 2015. Collection method: clinical testing. Allele origin: germline.

Blueprint Genetics
Classification: Likely benign. Last evaluated: 2022-04-05. Review status: criteria provided, single submitter. Criteria: ACMG Guidelines, 2015. Collection method: clinical testing. Allele origin: germline.

GeneDx
Classification: Benign. Last evaluated: 2015-03-03. Review status: criteria provided, single submitter. Criteria: GeneDx Variant Classification Process June 2021. Collection method: clinical testing. Allele origin: germline. Affected: yes.